The following is an entry in ClinVar:

NM_006929.5(SKIC2):c.2290G>A (p.Asp764Asn)

Gene: SKIC2 (SKI2 subunit of superkiller complex; plus strand). Cytogenetic location: 6p21.33.
Variant type: single nucleotide variant.
Coding change: c.2290G>A on transcript NM_006929.5 (MANE Select); coding-DNA position 2290, G replaced by A.
Protein change: p.Asp764Asn; replaces aspartic acid 764 with asparagine.
Molecular consequence: missense variant.
Genome position (GRCh38, 1-based): chr6:31,966,796, G>A. VCF-style: chr6-31966796-G-A. GRCh37 (hg19) VCF-style: chr6-31934573-G-A.
Other names: short protein forms D764N.
Identifiers: ClinVar variation 2060004 (VCV002060004.1), dbSNP rs2482973606, ClinGen allele CA363471972.

ClinVar aggregate classification (germline): Uncertain significance (1 of 4 stars; one submission).

Submission:

Labcorp Genetics (formerly Invitae), Labcorp
Classification: Uncertain significance. Last evaluated: 2022-07-12. Review status: criteria provided, single submitter. Criteria: Invitae Variant Classification Sherloc (09022015). Collection method: clinical testing. Allele origin: germline.
Comment: This sequence change replaces aspartic acid, which is acidic and polar, with asparagine, which is neutral and polar, at codon 764 of the SKIV2L protein (p.Asp764Asn). This variant is not present in population databases (gnomAD no frequency). This variant has not been reported in the literature in individuals affected with SKIV2L-related conditions. Algorithms developed to predict the effect of missense changes on protein structure and function are either unavailable or do not agree on the potential impact of this missense change (SIFT: "Deleterious"; PolyPhen-2: "Probably Damaging"; Align-GVGD: "Class C0"). In summary, the available evidence is currently insufficient to determine the role of this variant in disease. Therefore, it has been classified as a Variant of Uncertain Significance.